The following is an entry in ClinVar:

NM_000321.3(RB1):c.1223C>T (p.Thr408Ile)

Gene: RB1 (RB transcriptional corepressor 1; plus strand). Cytogenetic location: 13q14.2.
Variant type: single nucleotide variant.
Coding change: c.1223C>T on transcript NM_000321.3 (MANE Select); coding-DNA position 1223, C replaced by T.
Protein change: p.Thr408Ile; replaces threonine 408 with isoleucine.
Molecular consequence: missense variant.
Genome position (GRCh38, 1-based): chr13:48,376,925, C>T. VCF-style: chr13-48376925-C-T. GRCh37 (hg19) VCF-style: chr13-48951061-C-T.
Other names: short protein forms T408I.
Identifiers: ClinVar variation 643031 (VCV000643031.13), dbSNP rs1462238834, ClinGen allele CA388161948.

ClinVar aggregate classification (germline): Uncertain significance. Review status: criteria provided, multiple submitters, no conflicts (2 of 4 stars). 3 submissions from 3 submitters: Uncertain significance (3). Last evaluated 2025-07-20.

Conditions:
Hereditary cancer-predisposing syndrome. Also called: Neoplastic Syndromes, Hereditary; Tumor predisposition; Hereditary neoplastic syndrome; Hereditary Cancer Syndrome. Identifiers: Orphanet 140162, MedGen C0027672, MeSH D009386, MONDO:0015356.
Retinoblastoma (RB1). Also called: RETINOBLASTOMA, SOMATIC. Identifiers: Orphanet 790, MedGen C0035335, MeSH D012175, MONDO:0008380, OMIM 180200, HP:0009919. Disease mechanism: loss of function. Inheritance: Both sporadic and heritable forms are tested..

Allele frequency attached by ClinVar (database versions not stated): gnomAD exomes below 0.00001; gnomAD 0.00001; TOPMed 0.00001.
gnomAD v4.1: 5 of 1,613,422 alleles (0.00031%); highest among the groups gnomAD compares: Non-Finnish European, 0.00042%; no homozygotes.

Submissions (3):

Labcorp Genetics (formerly Invitae), Labcorp
Classification: Uncertain significance for Retinoblastoma. Last evaluated: 2025-07-20. Review status: criteria provided, single submitter. Criteria: Invitae Variant Classification Sherloc (09022015). Collection method: clinical testing. Allele origin: germline.
Comment: This sequence change replaces threonine, which is neutral and polar, with isoleucine, which is neutral and non-polar, at codon 408 of the RB1 protein (p.Thr408Ile). This variant is present in population databases (no rsID available, gnomAD 0.0009%). This variant has not been reported in the literature in individuals affected with RB1-related conditions. ClinVar contains an entry for this variant (Variation ID: 643031). Invitae Evidence Modeling of protein sequence and biophysical properties (such as structural, functional, and spatial information, amino acid conservation, physicochemical variation, residue mobility, and thermodynamic stability) has been performed for this missense variant. However, the output from this modeling did not meet the statistical confidence thresholds required to predict the impact of this variant on RB1 protein function. In summary, the available evidence is currently insufficient to determine the role of this variant in disease. Therefore, it has been classified as a Variant of Uncertain Significance.

Ambry Genetics
Classification: Uncertain significance for Hereditary cancer-predisposing syndrome. Last evaluated: 2024-08-31. Review status: criteria provided, single submitter. Criteria: Ambry Variant Classification Scheme 2023. Collection method: clinical testing. Allele origin: germline.
Comment: The p.T408I variant (also known as c.1223C>T), located in coding exon 13 of the RB1 gene, results from a C to T substitution at nucleotide position 1223. The threonine at codon 408 is replaced by isoleucine, an amino acid with similar properties. This amino acid position is conserved. In addition, this alteration is predicted to be deleterious by in silico analysis. Since supporting evidence is limited at this time, the clinical significance of this alteration remains unclear.

All of Us Research Program, National Institutes of Health
Classification: Uncertain significance for Retinoblastoma. Last evaluated: 2024-07-10. Review status: criteria provided, single submitter. Criteria: ACMG Guidelines, 2015. Collection method: clinical testing. Allele origin: germline. Inheritance: Autosomal dominant inheritance. Observed: 2 variant alleles, 2 heterozygotes.
Comment: This missense variant replaces threonine with isoleucine at codon 408 of the RB1 protein. Computational prediction suggests that this variant may have deleterious impact on protein structure and function (internally defined REVEL score threshold >= 0.7, PMID: 27666373). To our knowledge, functional studies have not been reported for this variant. This variant has not been reported in individuals affected with RB1-related disorders in the literature. This variant has been identified in 1/250962 chromosomes in the general population by the Genome Aggregation Database (gnomAD). The available evidence is insufficient to determine the role of this variant in disease conclusively. Therefore, this variant is classified as a Variant of Uncertain Significance.

This study involves interpretation of variants in research participants for the purpose of population health screening. Participant phenotype was not available at the time of variant classification. Additional details can be found in publication PMID: 35346344, PMCID: PMC8962531